The following is an entry in ClinVar:

ClinVar aggregate classification (germline): Uncertain significance. Review status: criteria provided, multiple submitters, no conflicts (2 of 4 stars). 4 submissions from 4 submitters: Uncertain significance (4). Last evaluated 2025-10-29.

Conditions:
Glycogen storage disease type X (GSD10). Also called: Glycogen storage disease due to phosphoglycerate mutase deficiency; GSD X; MYOPATHY DUE TO PHOSPHOGLYCERATE MUTASE DEFICIENCY; PGAMM DEFICIENCY; PHOSPHOGLYCERATE MUTASE, MUSCLE, DEFICIENCY OF; Dimauro disease. Identifiers: Orphanet 97234, MedGen C0268149, MONDO:0009865, OMIM 261670.
Inborn genetic diseases. Identifiers: MedGen C0950123, MeSH D030342.

Allele frequency attached by ClinVar (database versions not stated): TOPMed 0.00005; gnomAD exomes 0.00007; gnomAD 0.00012; ESP Exome Variant Server 0.00015; ExAC 0.00016.

Submissions (4):

Ambry Genetics
Classification: Uncertain significance for Inborn genetic diseases. Last evaluated: 2025-10-29. Review status: criteria provided, single submitter. Criteria: Ambry Variant Classification Scheme 2023. Collection method: clinical testing. Allele origin: germline.

Blueprint Genetics
Classification: Uncertain significance. Last evaluated: 2024-09-30. Review status: criteria provided, single submitter. Criteria: ACMG Guidelines, 2015. Collection method: clinical testing. Allele origin: germline.

CeGaT Center for Human Genetics Tuebingen
Classification: Uncertain significance. Last evaluated: 2023-04-01. Review status: criteria provided, single submitter. Criteria: CeGaT Center For Human Genetics Tuebingen Variant Classification Criteria Version 2. Collection method: clinical testing. Allele origin: germline. Affected: yes. Observed: 1 variant allele.

Labcorp Genetics (formerly Invitae), Labcorp
Classification: Uncertain significance for Glycogen storage disease type X. Last evaluated: 2022-09-19. Review status: criteria provided, single submitter. Criteria: Invitae Variant Classification Sherloc (09022015). Collection method: clinical testing. Allele origin: germline.
Comment: This sequence change replaces threonine, which is neutral and polar, with methionine, which is neutral and non-polar, at codon 238 of the PGAM2 protein (p.Thr238Met). This variant is present in population databases (rs146676508, gnomAD 0.1%). This variant has not been reported in the literature in individuals affected with PGAM2-related conditions. Algorithms developed to predict the effect of missense changes on protein structure and function are either unavailable or do not agree on the potential impact of this missense change (SIFT: "Deleterious"; PolyPhen-2: "Probably Damaging"; Align-GVGD: "Class C0"). In summary, the available evidence is currently insufficient to determine the role of this variant in disease. Therefore, it has been classified as a Variant of Uncertain Significance.

NM_000290.4(PGAM2):c.713C>T (p.Thr238Met)

Genes: PGAM2 (phosphoglycerate mutase 2; minus strand), DBNL (drebrin like; plus strand). Cytogenetic location: 7p13.
Variant type: single nucleotide variant.
Coding change: c.713C>T on transcript NM_000290.4 (MANE Select); coding-DNA position 713, C replaced by T.
Protein change: p.Thr238Met; replaces threonine 238 with methionine.
Molecular consequence: missense variant. On other transcripts: 3 prime UTR variant (6).
Genome position (GRCh38, 1-based): chr7:44,062,813, G>A on the plus strand (C>T on the coding strand, the complement: PGAM2 is on the minus strand). VCF-style: chr7-44062813-G-A. GRCh37 (hg19) VCF-style: chr7-44102412-G-A.
Other names: c.*1897G>A (NM_001014436.3, NM_001122956.2, NM_001284313.2 and 3 more transcripts); short protein forms T238M.
Identifiers: ClinVar variation 2059166 (VCV002059166.31), dbSNP rs146676508, ClinGen allele CA4236493.